The following is an entry in ClinVar:

NC_000001.10:g.(?_215747129)_(215824143_?)del

Genes: KCTD3 (potassium channel tetramerization domain containing 3; plus strand), USH2A (usherin; minus strand). Cytogenetic location: 1q41.
Variant type: Deletion.
Identifiers: ClinVar variation 833117 (VCV000833117.8).

ClinVar aggregate classification (germline): Pathogenic (1 of 4 stars; one submission).

Submission:

Labcorp Genetics (formerly Invitae), Labcorp
Classification: Pathogenic. Last evaluated: 2024-01-24. Review status: criteria provided, single submitter. Criteria: Invitae Variant Classification Sherloc (09022015). Collection method: clinical testing. Allele origin: germline.
Comment: This variant is a gross deletion of the genomic region encompassing exon(s) 65-72 of the USH2A gene, which includes the termination codon. This deletion extends beyond the assayed region for this gene and therefore may encompass additional genes. While this deletion is not anticipated to lead to nonsense mediated decay, it is expected to alter mRNA translation or result in a truncated protein product. This variant has not been reported in the literature in individuals affected with USH2A-related conditions. This variant disrupts a region of the USH2A protein in which other variant(s) (p.Gly4763Arg) have been determined to be pathogenic (PMID: 25133613, 25649381, 27460420, 33781268; Invitae). This suggests that this is a clinically significant region of the protein, and that variants that disrupt it are likely to be disease-causing. For these reasons, this variant has been classified as Pathogenic.

Literature cited by the submitters: PubMed 25133613; PubMed 25649381; PubMed 27460420; PubMed 33781268.